The following is an entry in ClinVar:

NM_000260.4(MYO7A):c.4711A>T (p.Thr1571Ser)

Gene: MYO7A (myosin VIIA; plus strand). Cytogenetic location: 11q13.5.
Variant type: single nucleotide variant.
Coding change: c.4711A>T on transcript NM_000260.4 (MANE Select); coding-DNA position 4711, A replaced by T.
Protein change: p.Thr1571Ser; replaces threonine 1571 with serine.
Molecular consequence: missense variant.
Genome position (GRCh38, 1-based): chr11:77,199,677, A>T. VCF-style: chr11-77199677-A-T. GRCh37 (hg19) VCF-style: chr11-76910722-A-T.
Other names: c.4711A>T (NM_000260.3); c.4597A>T, p.Thr1533Ser (NM_001127180.2); c.4564A>T, p.Thr1522Ser (NM_001369365.1); short protein forms T1522S, T1533S, T1571S.
Identifiers: ClinVar variation 1210436 (VCV001210436.5), dbSNP rs746774239, ClinGen allele CA6198525.

ClinVar aggregate classification (germline): Uncertain significance. Review status: criteria provided, multiple submitters, no conflicts (2 of 4 stars). 2 submissions from 2 submitters: Uncertain significance (2). Last evaluated 2025-07-14.

Conditions:
Autosomal recessive nonsyndromic hearing loss 2. Also called: DEAFNESS, AUTOSOMAL RECESSIVE 2; NEUROSENSORY NONSYNDROMIC RECESSIVE DEAFNESS 2. Identifiers: Orphanet 90636, MedGen C1838701, MONDO:0010807, OMIM 600060.

Allele frequency attached by ClinVar (database versions not stated): gnomAD exomes 0.00002 and 0.00001; ExAC 0.00003; gnomAD 0.00001.
gnomAD v4.1: 20 of 1,613,202 alleles (0.0012%); highest among the groups gnomAD compares: Non-Finnish European, 0.0016%; no homozygotes.

Submissions (2):

GeneDx
Classification: Uncertain significance. Last evaluated: 2025-07-14. Review status: criteria provided, single submitter. Criteria: GeneDx Variant Classification Process June 2021. Collection method: clinical testing. Allele origin: germline.
Comment: In silico analysis supports that this missense variant has a deleterious effect on protein structure/function; Has not been previously published as pathogenic or benign to our knowledge

Genome-Nilou Lab
Classification: Uncertain significance for Autosomal recessive nonsyndromic hearing loss 2. Last evaluated: 2021-07-22. Review status: criteria provided, single submitter. Criteria: ACMG Guidelines, 2015. Collection method: clinical testing. Allele origin: germline. Affected: no.